The following is an entry in ClinVar:

ClinVar aggregate classification (germline): Likely pathogenic (1 of 4 stars; one submission).

Conditions:
Dilated cardiomyopathy 1G (CMD1G). Identifiers: Orphanet 154, MedGen C1858763, MONDO:0011400, OMIM 604145.
Autosomal recessive limb-girdle muscular dystrophy type 2J (LGMDR10). Also called: Limb-girdle muscular dystrophy, type 2J; MUSCULAR DYSTROPHY, LIMB-GIRDLE, AUTOSOMAL RECESSIVE 10. Identifiers: Orphanet 140922, MedGen C1837342, MONDO:0012127, OMIM 608807.

gnomAD v4.1: 1 of 1,611,652 alleles (0.000062%); highest among the groups gnomAD compares: Non-Finnish European, 0.000085%; no homozygotes.

Submission:

Labcorp Genetics (formerly Invitae), Labcorp
Classification: Likely pathogenic for Dilated cardiomyopathy 1G; Autosomal recessive limb-girdle muscular dystrophy type 2J. Last evaluated: 2025-09-10. Review status: criteria provided, single submitter. Criteria: Invitae Variant Classification Sherloc (09022015). Collection method: clinical testing. Allele origin: germline.
Comment: This sequence change creates a premature translational stop signal (p.Gln35666*) in the TTN gene. While this is not anticipated to result in nonsense mediated decay, it is expected to create a truncated TTN protein. This variant is not present in population databases (gnomAD no frequency). This variant has not been reported in the literature in individuals affected with TTN-related conditions. ClinVar contains an entry for this variant (Variation ID: 1521530). This variant is located in the M band of TTN (PMID: 25589632). Truncating variants in this region have been previously reported in individuals affected with autosomal dominant or autosomal recessive myopathy and muscular dystrophy (PMID: 18948003, 23975875, 24395473). Truncating variants in this region have also been identified in individuals affected with autosomal dominant dilated cardiomyopathy and/or cardio-related conditions (PMID: 27869827, 32964742, internal data). In summary, the currently available evidence indicates that the variant is pathogenic, but additional data are needed to prove that conclusively. Therefore, this variant has been classified as Likely Pathogenic.

Literature cited by the submitters: PubMed 25589632; PubMed 18948003; PubMed 23975875; PubMed 24395473; PubMed 27869827; PubMed 32964742.

NM_001267550.2(TTN):c.106996C>T (p.Gln35666Ter)

Genes: TTN (titin; minus strand), TTN-AS1 (TTN antisense RNA 1; plus strand). Cytogenetic location: 2q31.2.
Variant type: single nucleotide variant.
Coding change: c.106996C>T on transcript NM_001267550.2 (MANE Select); coding-DNA position 106996, C replaced by T.
Protein change: p.Gln35666Ter; replaces glutamine 35666 with a stop codon.
Molecular consequence: nonsense.
Genome position (GRCh38, 1-based): chr2:178,528,755, G>A on the plus strand (C>T on the coding strand, the complement: TTN is on the minus strand). VCF-style: chr2-178528755-G-A. GRCh37 (hg19) VCF-style: chr2-179393482-G-A.
Other names: c.102073C>T, p.Gln34025Ter (NM_001256850.1); c.79801C>T, p.Gln26601Ter (NM_003319.4); c.99292C>T, p.Gln33098Ter (NM_133378.4); c.80176C>T, p.Gln26726Ter (NM_133432.3); c.80377C>T, p.Gln26793Ter (NM_133437.4); short protein forms Q35666*, Q34025*, Q33098*, Q26601*, Q26726*, Q26793*.
Identifiers: ClinVar variation 1521530 (VCV001521530.8), dbSNP rs750660824, ClinGen allele CA349402282.